The following is an entry in ClinVar:

NM_000492.4(CFTR):c.3469-316_3469-310del

Genes: CFTR (CF transmembrane conductance regulator; plus strand), CFTR-AS2 (CFTR antisense RNA 2; minus strand). Cytogenetic location: 7q31.2.
Variant type: Deletion.
Coding change: c.3469-316_3469-310del on transcript NM_000492.4 (MANE Select); 316 bases into the intron before coding-DNA position 3469 through 310 bases into the intron before coding-DNA position 3469, 7 bases deleted (GCTGCTC; older notation c.3469-316_3469-310delGCTGCTC).
Molecular consequence: intron variant.
Genome position (GRCh38, 1-based): chr7:117,627,206-117,627,212, GCTGCTC deleted. VCF-style (leftmost placement, unchanged base first): chr7-117627205-TGCTGCTC-T. GRCh37 (hg19) VCF-style: chr7-117267259-TGCTGCTC-T.
Identifiers: ClinVar variation 4996160 (VCV004996160.1).
Genomic context (GRCh38, chr7:117,627,205, plus strand): 5'-TAGTGGTTTTGAGGTGTGGTACATTTTATTATAATATACCGGTTATACAGCATTGTGCAG[TGCTGCTC>T]ATAGTAGAAATAAATTTTCTCTTTGATGTCATCTATTCCCTTGTGTGGCTTACATAACTG-3'

ClinVar aggregate classification (germline): Likely benign (1 of 4 stars; one submission).

Conditions:
CFTR-related disorder (CFTR-RD). Also called: CFTR-related condition; CFTR-related disorders. Identifiers: MedGen C5924204, MONDO:7770004.

Submission:

PreventionGenetics, part of Exact Sciences
Classification: Likely benign for CFTR-related condition. Last evaluated: 2026-09-08. Review status: criteria provided, single submitter. Criteria: ACMG Guidelines, 2015. Collection method: clinical testing. Allele origin: germline.
Comment: This variant is classified as likely benign based on ACMG/AMP sequence variant interpretation guidelines (Richards et al. 2015 PMID: 25741868, with internal and published modifications).